The following is an entry in ClinVar:

ClinVar aggregate classification (germline): Pathogenic (1 of 4 stars; one submission).

Conditions:
Nemaline myopathy 2 (NEM2). Also called: Nemaline myopathy 2, autosomal recessive. Identifiers: MedGen C1850569, MONDO:0009725, OMIM 256030.

Submission:

Labcorp Genetics (formerly Invitae), Labcorp
Classification: Pathogenic for Nemaline myopathy 2. Last evaluated: 2022-12-31. Review status: criteria provided, single submitter. Criteria: Invitae Variant Classification Sherloc (09022015). Collection method: clinical testing. Allele origin: germline.
Comment: ClinVar contains an entry for this variant (Variation ID: 1460342). For these reasons, this variant has been classified as Pathogenic. This variant has not been reported in the literature in individuals affected with NEB-related conditions. The frequency data for this variant in the population databases (gnomAD) is considered unreliable due to the presence of homologous sequence, such as pseudogenes or paralogs, in the genome. This sequence change creates a premature translational stop signal (p.Arg4146Serfs*31) in the NEB gene. It is expected to result in an absent or disrupted protein product. Loss-of-function variants in NEB are known to be pathogenic (PMID: 25205138). This variant occurs in a region of NEB (Exons 82-105) consisting of three highly homologous 8-exon repeat units (exons 82-89, exons 90-97, exons 98-105). Sequence variants in this region can be detected, but this assay cannot determine which of the three repeat units is affected, and zygosity is often ambiguous. All variants in this region are reported relative to the exon 82-89 repeat.

Literature cited by the submitters: PubMed 25205138.

NM_001164508.2(NEB):c.12438del (p.Arg4146fs)

Gene: NEB (nebulin; minus strand). Cytogenetic location: 2q23.3.
Variant type: Deletion.
Coding change: c.12438del on transcript NM_001164508.2 (MANE Select); coding-DNA position 12438, one base deleted (A; older notation c.12438delA).
Protein change: p.Arg4146fs; shifts the reading frame from arginine 4146.
Molecular consequence: frameshift variant. On other transcripts: intron variant (1).
Genome position (GRCh38, 1-based): chr2:151,608,569, T deleted on the plus strand (A on the coding strand, the reverse complement: NEB is on the minus strand). VCF-style (leftmost placement, unchanged base first): chr2-151608568-GT-G. GRCh37 (hg19) VCF-style: chr2-152465082-GT-G.
Other names: c.12438del, p.Arg4146fs (NM_001164507.2, NM_001271208.2); c.11601+1240del (NM_004543.5); short protein forms R4146fs.
Identifiers: ClinVar variation 1460342 (VCV001460342.8), dbSNP rs2153960110, ClinGen allele CA2573133388.